The following is an entry in ClinVar:

ClinVar aggregate classification (germline): Conflicting classifications of pathogenicity. Review status: criteria provided, conflicting classifications (1 of 4 stars). 7 submissions from 7 submitters: Uncertain significance (3); Benign (1); Likely benign (3). Last evaluated 2026-02-03.

Conditions:
Early-infantile DEE. Also called: Early infantile epileptic encephalopathy; Early infantile epileptic encephalopathy with suppression bursts; Ohtahara syndrome. Identifiers: Orphanet 1934, MedGen C0393706, MONDO:0800491.
Early Myoclonic Encephalopathy. Identifiers: MedGen C0270855.

Allele frequency attached by ClinVar (database versions not stated): 1000 Genomes Project 30x 0.00016; 1000 Genomes Project 0.00020; gnomAD 0.00032; ExAC 0.00042; gnomAD exomes 0.00056; TOPMed 0.00056; ESP Exome Variant Server 0.00064.

Submissions (7):

Labcorp Genetics (formerly Invitae), Labcorp
Classification: Likely benign for Early-infantile DEE. Last evaluated: 2026-02-03. Review status: criteria provided, single submitter. Criteria: Invitae Variant Classification Sherloc (09022015). Collection method: clinical testing. Allele origin: germline.

Blueprint Genetics
Classification: Likely benign. Last evaluated: 2024-11-26. Review status: criteria provided, single submitter. Criteria: ACMG Guidelines, 2015. Collection method: clinical testing. Allele origin: germline.

CeGaT Center for Human Genetics Tuebingen
Classification: Likely benign. Last evaluated: 2023-12-01. Review status: criteria provided, single submitter. Criteria: CeGaT Center For Human Genetics Tuebingen Variant Classification Criteria Version 2. Collection method: clinical testing. Allele origin: germline. Affected: yes. Observed: 1 variant allele.
Comment: SLC25A22: BP4

Illumina Laboratory Services, Illumina
Classification: Uncertain significance for Developmental and epileptic encephalopathy, 3. Last evaluated: 2018-01-13. Review status: criteria provided, single submitter. Criteria: ICSL Variant Classification Criteria 13 December 2019. Collection method: clinical testing. Allele origin: germline.

Eurofins Ntd Llc (ga)
Classification: Uncertain significance. Last evaluated: 2015-09-28. Review status: criteria provided, single submitter. Criteria: EGL Classification Definitions 2015. Collection method: clinical testing. Allele origin: germline. Observed: 1 variant allele, 1 heterozygote.

Genetic Services Laboratory, University of Chicago
Classification: Uncertain significance for Epileptic encephalopathy, early infantile, 3. Last evaluated: 2013-06-11. Review status: criteria provided, single submitter. Criteria: ACMG Guidelines, 2007. Collection method: clinical testing. Allele origin: germline. Inheritance: Autosomal recessive inheritance.

GeneDx
Classification: Benign. Last evaluated: 2013-01-22. Review status: criteria provided, single submitter. Criteria: GeneDx Variant Classification (06012015). Collection method: clinical testing. Allele origin: germline. Affected: yes.
Comment: This variant is considered likely benign or benign based on one or more of the following criteria: it is a conservative change, it occurs at a poorly conserved position in the protein, it is predicted to be benign by multiple in silico algorithms, and/or has population frequency not consistent with disease.

NM_001191061.2(SLC25A22):c.413-8G>C

Gene: SLC25A22 (solute carrier family 25 member 22; minus strand). Cytogenetic location: 11p15.5.
Variant type: single nucleotide variant.
Coding change: c.413-8G>C on transcript NM_001191061.2 (MANE Select); 8 bases into the intron before coding-DNA position 413, G replaced by C.
Molecular consequence: intron variant.
Genome position (GRCh38, 1-based): chr11:792,735, C>G on the plus strand (G>C on the coding strand, the complement: SLC25A22 is on the minus strand). VCF-style: chr11-792735-C-G. GRCh37 (hg19) VCF-style: chr11-792735-C-G.
Other names: c.413-8G>C (NM_001191060.2, NM_024698.6).
Identifiers: ClinVar variation 139136 (VCV000139136.46), dbSNP rs376015598, ClinGen allele CA173479.
Genomic context (GRCh38, chr11:792,735, plus strand): 5'-ACCCCCCTGGGCCGAGAGCTGGCCCTGGGCAGCCAGGATCTTCCTCTGGGCGGCTGGGGA[C>G]AAAGAGGCTGCTGTCTCCTCTTCTGTGCGAACTGGGCAGGGGACACGCTCTGGCCCTCCC-3'